The following is an entry in ClinVar:

ClinVar aggregate classification (germline): Likely benign. Review status: criteria provided, multiple submitters, no conflicts (2 of 4 stars). 5 submissions from 5 submitters: Likely benign (5). Last evaluated 2026-01-15.

Conditions:
Macrocephaly, dysmorphic facies, and psychomotor retardation (MDFPMR). Identifiers: Orphanet 457359, MedGen C4310766, MONDO:0014863, OMIM 617011.

Allele frequency attached by ClinVar (database versions not stated): 1000 Genomes Project 0.00040; 1000 Genomes Project 30x 0.00047; gnomAD 0.00096 and 0.00097; TOPMed 0.00097; gnomAD exomes 0.00099 and 0.00157; ExAC 0.00111; ESP Exome Variant Server 0.00193.
gnomAD v4.1: 2,424 of 1,610,592 alleles (0.15%); highest among the groups gnomAD compares: Non-Finnish European, 0.18%; 2 homozygotes.

Submissions (5):

Labcorp Genetics (formerly Invitae), Labcorp
Classification: Likely benign. Last evaluated: 2026-01-15. Review status: criteria provided, single submitter. Criteria: Invitae Variant Classification Sherloc (09022015). Collection method: clinical testing. Allele origin: germline.

Blueprint Genetics
Classification: Likely benign. Last evaluated: 2024-10-16. Review status: criteria provided, single submitter. Criteria: ACMG Guidelines, 2015. Collection method: clinical testing. Allele origin: germline.

CeGaT Center for Human Genetics Tuebingen
Classification: Likely benign. Last evaluated: 2024-02-01. Review status: criteria provided, single submitter. Criteria: CeGaT Center For Human Genetics Tuebingen Variant Classification Criteria Version 2. Collection method: clinical testing. Allele origin: germline. Affected: yes. Observed: 2 variant alleles.
Comment: HERC1: BP4

Fulgent Genetics
Classification: Likely benign for Macrocephaly, dysmorphic facies, and psychomotor retardation. Last evaluated: 2022-05-05. Review status: criteria provided, single submitter. Criteria: ACMG Guidelines, 2015. Collection method: clinical testing. Allele origin: unknown.

Breakthrough Genomics
Classification: Likely benign. Review status: criteria provided, single submitter. Criteria: ACMG Guidelines, 2015. Collection method: not provided. Allele origin: germline. Inheritance: Autosomal recessive inheritance. Affected: yes.

NM_003922.4(HERC1):c.12967-4C>G

Gene: HERC1 (HECT and RLD domain containing E3 ubiquitin protein ligase family member 1; minus strand). Cytogenetic location: 15q22.31.
Variant type: single nucleotide variant.
Coding change: c.12967-4C>G on transcript NM_003922.4 (MANE Select); 4 bases into the intron before coding-DNA position 12967, C replaced by G.
Molecular consequence: intron variant.
Genome position (GRCh38, 1-based): chr15:63,628,819, G>C on the plus strand (C>G on the coding strand, the complement: HERC1 is on the minus strand). VCF-style: chr15-63628819-G-C. GRCh37 (hg19) VCF-style: chr15-63921018-G-C.
Identifiers: ClinVar variation 782960 (VCV000782960.36), dbSNP rs374953824, ClinGen allele CA7603856.